The following is an entry in ClinVar:

ClinVar aggregate classification (germline): Uncertain significance (1 of 4 stars; one submission).

Submission:

Labcorp Genetics (formerly Invitae), Labcorp
Classification: Uncertain significance. Last evaluated: 2022-03-19. Review status: criteria provided, single submitter. Criteria: Invitae Variant Classification Sherloc (09022015). Collection method: clinical testing. Allele origin: germline.
Comment: In summary, the available evidence is currently insufficient to determine the role of this variant in disease. Therefore, it has been classified as a Variant of Uncertain Significance. Algorithms developed to predict the effect of missense changes on protein structure and function are either unavailable or do not agree on the potential impact of this missense change (SIFT: "Deleterious"; PolyPhen-2: "Possibly Damaging"; Align-GVGD: "Class C0"). This variant has not been reported in the literature in individuals affected with SCP2-related conditions. This variant is not present in population databases (gnomAD no frequency). This sequence change replaces alanine, which is neutral and non-polar, with valine, which is neutral and non-polar, at codon 500 of the SCP2 protein (p.Ala500Val).

NM_002979.5(SCP2):c.1499C>T (p.Ala500Val)

Gene: SCP2 (sterol carrier protein 2; plus strand). Cytogenetic location: 1p32.3.
Variant type: single nucleotide variant.
Coding change: c.1499C>T on transcript NM_002979.5 (MANE Select); coding-DNA position 1499, C replaced by T.
Protein change: p.Ala500Val; replaces alanine 500 with valine.
Molecular consequence: missense variant. On other transcripts: synonymous variant (1).
Genome position (GRCh38, 1-based): chr1:53,047,888, C>T. VCF-style: chr1-53047888-C-T. GRCh37 (hg19) VCF-style: chr1-53513560-C-T.
Other names: c.287C>T, p.Ala96Val (NM_001007099.3); c.278C>T, p.Ala93Val (NM_001007100.3); c.157C>T, p.Leu53= (NM_001007250.3); c.1427C>T, p.Ala476Val (NM_001193599.2); c.1367C>T, p.Ala456Val (NM_001193600.2); c.1256C>T, p.Ala419Val (NM_001193617.2); short protein forms A419V, A476V, A96V, A500V, A93V, A456V.
Identifiers: ClinVar variation 2114382 (VCV002114382.4), dbSNP rs2525077817, ClinGen allele CA340382211.